The following is an entry in ClinVar:

NM_000257.4(MYH7):c.714C>G (p.Asn238Lys)

Gene: MYH7 (myosin heavy chain 7; minus strand). Cytogenetic location: 14q11.2.
Variant type: single nucleotide variant.
Coding change: c.714C>G on transcript NM_000257.4 (MANE Select); coding-DNA position 714, C replaced by G.
Protein change: p.Asn238Lys; replaces asparagine 238 with lysine.
Molecular consequence: missense variant.
Genome position (GRCh38, 1-based): chr14:23,431,603, G>C on the plus strand (C>G on the coding strand, the complement: MYH7 is on the minus strand). VCF-style: chr14-23431603-G-C. GRCh37 (hg19) VCF-style: chr14-23900812-G-C.
Other names: short protein forms N238K.
Identifiers: ClinVar variation 1060056 (VCV001060056.10), dbSNP rs202141819, ClinGen allele CA389052204.

ClinVar aggregate classification (germline): Uncertain significance. Review status: criteria provided, single submitter (1 of 4 stars). 2 submissions from 2 submitters: Uncertain significance (1). 1 of the submissions does not count toward it. Last evaluated 2020-06-26.

Conditions:
Hypertrophic cardiomyopathy 1 (CMH1). Also called: Familial hypertrophic cardiomyopathy 1; MYH7-Related Familial Hypertrophic Cardiomyopathy. Identifiers: MedGen C3495498, MONDO:0008647, OMIM 192600.
Hypertrophic cardiomyopathy. Also called: HYPERTROPHIC MYOCARDIOPATHY. Identifiers: Orphanet 217569, MedGen C0007194, MeSH D002312, MONDO:0005045, HP:0001639.

Submissions (2):

Labcorp Genetics (formerly Invitae), Labcorp
Classification: Uncertain significance for Hypertrophic cardiomyopathy. Last evaluated: 2020-06-26. Review status: criteria provided, single submitter. Criteria: Invitae Variant Classification Sherloc (09022015). Collection method: clinical testing. Allele origin: germline.
Comment: In summary, the available evidence is currently insufficient to determine the role of this variant in disease. Therefore, it has been classified as a Variant of Uncertain Significance. Algorithms developed to predict the effect of missense changes on protein structure and function are either unavailable or do not agree on the potential impact of this missense change (SIFT: "Deleterious"; PolyPhen-2: "Probably Damaging"; Align-GVGD: "Class C0"). This variant has not been reported in the literature in individuals with MYH7-related conditions. This variant is not present in population databases (ExAC no frequency). This sequence change replaces asparagine with lysine at codon 238 of the MYH7 protein (p.Asn238Lys). The asparagine residue is highly conserved and there is a moderate physicochemical difference between asparagine and lysine.

ICMR Centre for Advanced Research and Excellence in Heart Failure, Sree Chitra Tirunal Institute for Medical Sciences & Technology, KERALA, INDIA
Classification: Likely pathogenic for Hypertrophic cardiomyopathy 1. Last evaluated: 2023-03-19. Review status: no assertion criteria provided. Collection method: clinical testing. Allele origin: germline. Affected: yes. Observed: 1 variant allele. Not counted in ClinVar's aggregate classification.